The following is an entry in ClinVar:

NM_001367624.2(ZNF469):c.6445C>T (p.Gln2149Ter)

Gene: ZNF469 (zinc finger protein 469; plus strand). Cytogenetic location: 16q24.2.
Variant type: single nucleotide variant.
Coding change: c.6445C>T on transcript NM_001367624.2 (MANE Select); coding-DNA position 6445, C replaced by T.
Protein change: p.Gln2149Ter; replaces glutamine 2149 with a stop codon.
Molecular consequence: nonsense.
Genome position (GRCh38, 1-based): chr16:88,433,915, C>T. VCF-style: chr16-88433915-C-T. GRCh37 (hg19) VCF-style: chr16-88500323-C-T.
Other names: NM_001127464.1:c.6361C>T; short protein forms Q2149*.
Identifiers: ClinVar variation 1753065 (VCV001753065.6), dbSNP rs1222304580, ClinGen allele CA397105952.

ClinVar aggregate classification (germline): Pathogenic/Likely pathogenic. Review status: criteria provided, multiple submitters, no conflicts (2 of 4 stars). 3 submissions from 3 submitters: Pathogenic (2); Likely pathogenic (1). Last evaluated 2026-04-22.

Conditions:
Cardiovascular phenotype. Identifiers: MedGen CN230736.

Allele frequency attached by ClinVar (database versions not stated): gnomAD 0.00001.
gnomAD v4.1: 1 of 1,549,170 alleles (0.000065%); highest among the groups gnomAD compares: African/African-American, 0.0014%; no homozygotes.

Submissions (3):

GeneDx
Classification: Likely pathogenic. Last evaluated: 2026-04-22. Review status: criteria provided, single submitter. Criteria: GeneDx Variant Classification Process June 2021. Collection method: clinical testing. Allele origin: germline.
Comment: Nonsense variant predicted to result in protein truncation, as the last 1805 amino acid(s) are lost, and other loss-of-function variants have been reported downstream in HGMD; Not observed at significant frequency in large population cohorts (gnomAD); Has not been previously published as pathogenic or benign to our knowledge

Labcorp Genetics (formerly Invitae), Labcorp
Classification: Pathogenic. Last evaluated: 2023-05-09. Review status: criteria provided, single submitter. Criteria: Invitae Variant Classification Sherloc (09022015). Collection method: clinical testing. Allele origin: germline.
Comment: For these reasons, this variant has been classified as Pathogenic. This sequence change creates a premature translational stop signal (p.Gln2121*) in the ZNF469 gene. While this is not anticipated to result in nonsense mediated decay, it is expected to disrupt the last 1805 amino acid(s) of the ZNF469 protein. This variant is present in population databases (no rsID available, gnomAD 0.01%). This variant has not been reported in the literature in individuals affected with ZNF469-related conditions. ClinVar contains an entry for this variant (Variation ID: 1753065). This variant disrupts a region of the ZNF469 protein in which other variant(s) (p.Pro3556Glnfs*136) have been determined to be pathogenic (PMID: 32671420). This suggests that this is a clinically significant region of the protein, and that variants that disrupt it are likely to be disease-causing.

Ambry Genetics
Classification: Pathogenic for Cardiovascular phenotype. Last evaluated: 2022-04-26. Review status: criteria provided, single submitter. Criteria: Ambry Variant Classification Scheme 2023. Collection method: clinical testing. Allele origin: germline.
Comment: The p.Q2121* pathogenic mutation (also known as c.6361C>T), located in coding exon 2 of the ZNF469 gene, results from a C to T substitution at nucleotide position 6361. This changes the amino acid from a glutamine to a stop codon within coding exon 2. This variant is considered to be rare based on population cohorts in the Genome Aggregation Database (gnomAD). This alteration occurs at the 3' terminus of theZNF469 gene, is not expected to trigger nonsense-mediated mRNA decay, and impacts the last 54%/(2121/3925) of the protein. However, premature stop codons are typically deleterious in nature and a significant portion of the protein is affected. Based on the supporting evidence, this alteration is interpreted as a disease-causing mutation.

Literature cited by the submitters: PubMed 32671420 (cited by Labcorp Genetics (formerly Invitae), Labcorp).